The following is an entry in ClinVar:

NM_018027.5(FRMD4A):c.1473A>G (p.Lys491=)

Gene: FRMD4A (FERM domain containing 4A; minus strand). Cytogenetic location: 10p13.
Variant type: single nucleotide variant.
Coding change: c.1473A>G on transcript NM_018027.5 (MANE Select); coding-DNA position 1473, A replaced by G.
Protein change: p.Lys491=; no amino-acid change (lysine 491 retained).
Molecular consequence: synonymous variant.
Genome position (GRCh38, 1-based): chr10:13,666,227, T>C on the plus strand (A>G on the coding strand, the complement: FRMD4A is on the minus strand). VCF-style: chr10-13666227-T-C. GRCh37 (hg19) VCF-style: chr10-13708227-T-C.
Other names: c.1521A>G, p.Lys507= (NM_001318336.2); c.1572A>G, p.Lys524= (NM_001318337.2); c.546A>G, p.Lys182= (NM_001318338.2).
Identifiers: ClinVar variation 4280961 (VCV004280961.7).

ClinVar aggregate classification (germline): Likely benign (1 of 4 stars; one submission).

gnomAD v4.1: 716 of 1,613,966 alleles (0.044%); highest among the groups gnomAD compares: Non-Finnish European, 0.0068%; 4 homozygotes.

Submission:

CeGaT Center for Human Genetics Tuebingen
Classification: Likely benign. Last evaluated: 2025-09-01. Review status: criteria provided, single submitter. Criteria: CeGaT Center For Human Genetics Tuebingen Variant Classification Criteria Version 2. Collection method: clinical testing. Allele origin: germline. Affected: yes. Observed: 1 variant allele.
Comment: FRMD4A: BP4, BP7